The following is an entry in ClinVar:

NM_004004.6(GJB2):c.-165del

Gene: GJB2 (gap junction protein beta 2; minus strand). Cytogenetic location: 13q12.11.
Variant type: Deletion.
Coding change: c.-165del on transcript NM_004004.6 (MANE Select); 165 bases upstream of the start codon, one base deleted (A; older notation c.-165delA).
Molecular consequence: 5 prime UTR variant.
Genome position (GRCh38, 1-based): chr13:20,192,925, T deleted on the plus strand (A on the coding strand, the reverse complement: GJB2 is on the minus strand). VCF-style (leftmost placement, unchanged base first): chr13-20192924-CT-C. GRCh37 (hg19) VCF-style: chr13-20767063-CT-C.
Identifiers: ClinVar variation 2684167 (VCV002684167.1), dbSNP rs983501261, ClinGen allele CA246463674.
Genomic context (GRCh38, chr13:20,192,924, plus strand): 5'-GCGGGTCCTGGGCCGGGCGCCGCCGAGGGGCTCCGAGTCGGGGAGAGGAGCGCGCGGGCG[CT>C]GCGGGGCCGCAACACCTGTCTCCCGCCGTGGCGCCTTTTAACCGCACCCCACACCCCGCC-3'

ClinVar aggregate classification (germline): Uncertain significance (1 of 4 stars; one submission).

Allele frequency attached by ClinVar (database versions not stated): gnomAD 0.00012; TOPMed 0.00017.

Submission:

Athena Diagnostics
Classification: Uncertain significance. Last evaluated: 2023-08-25. Review status: criteria provided, single submitter. Criteria: Athena Diagnostics Criteria. Collection method: clinical testing. Allele origin: unknown.
Comment: Available data are insufficient to determine the clinical significance of the variant at this time. The frequency of this variant in the general population is uninformative in assessment of its pathogenicity. Computational tools yielded predictions that this variant is unlikely to have an effect on normal RNA splicing.